The following is an entry in ClinVar:

ClinVar aggregate classification (germline): Uncertain significance. Review status: criteria provided, multiple submitters, no conflicts (2 of 4 stars). 3 submissions from 3 submitters: Uncertain significance (3). Last evaluated 2021-09-01.

Conditions:
Inborn genetic diseases. Identifiers: MedGen C0950123, MeSH D030342.
Autosomal recessive limb-girdle muscular dystrophy type 2X (LGMDR25). Also called: Muscular dystrophy, limb-girdle, type 2X. Identifiers: Orphanet 476084, MedGen C5568138, MONDO:0014782, OMIM 616812.

Allele frequency attached by ClinVar (database versions not stated): gnomAD exomes 0.00009 and 0.00008; gnomAD 0.00010 and 0.00009; TOPMed 0.00006; ExAC 0.00007.
gnomAD v4.1: 143 of 1,613,660 alleles (0.0089%); highest among the groups gnomAD compares: Non-Finnish European, 0.0081%; no homozygotes.

Submissions (3):

Ambry Genetics
Classification: Uncertain significance for Inborn genetic diseases. Last evaluated: 2021-09-01. Review status: criteria provided, single submitter. Criteria: Ambry Variant Classification Scheme 2023. Collection method: clinical testing. Allele origin: germline.

Revvity Omics, Revvity
Classification: Uncertain significance for Autosomal recessive limb-girdle muscular dystrophy type 2X. Last evaluated: 2019-08-01. Review status: criteria provided, single submitter. Criteria: ACMG Guidelines, 2015. Collection method: clinical testing. Allele origin: germline.

GeneDx
Classification: Uncertain significance. Last evaluated: 2019-07-22. Review status: criteria provided, single submitter. Criteria: GeneDx Variant Classification Process June 2021. Collection method: clinical testing. Allele origin: germline. Affected: yes.
Comment: In silico analysis, which includes protein predictors and evolutionary conservation, supports that this variant does not alter protein structure/function; Has not been previously published as pathogenic or benign to our knowledge

NM_001199563.2(POPDC1):c.836A>G (p.His279Arg)

Gene: POPDC1 (popeye domain cAMP effector 1; minus strand). Cytogenetic location: 6q21.
Variant type: single nucleotide variant.
Coding change: c.836A>G on transcript NM_001199563.2 (MANE Select); coding-DNA position 836, A replaced by G.
Protein change: p.His279Arg; replaces histidine 279 with arginine.
Molecular consequence: missense variant.
Genome position (GRCh38, 1-based): chr6:105,115,808, T>C on the plus strand (A>G on the coding strand, the complement: POPDC1 is on the minus strand). VCF-style: chr6-105115808-T-C. GRCh37 (hg19) VCF-style: chr6-105563683-T-C.
Other names: c.836A>G (NM_001199563.1); c.836A>G, p.His279Arg (NM_007073.4, NM_147147.4); short protein forms H279R.
Identifiers: ClinVar variation 1307192 (VCV001307192.6), dbSNP rs767206976, ClinGen allele CA3940941.